The following is an entry in ClinVar:

NM_000350.3(ABCA4):c.223T>G (p.Cys75Gly)

Gene: ABCA4 (ATP binding cassette subfamily A member 4; minus strand). Cytogenetic location: 1p22.1.
Variant type: single nucleotide variant.
Coding change: c.223T>G on transcript NM_000350.3 (MANE Select); coding-DNA position 223, T replaced by G.
Protein change: p.Cys75Gly; replaces cysteine 75 with glycine.
Molecular consequence: missense variant.
Genome position (GRCh38, 1-based): chr1:94,111,517, A>C on the plus strand (T>G on the coding strand, the complement: ABCA4 is on the minus strand). VCF-style: chr1-94111517-A-C. GRCh37 (hg19) VCF-style: chr1-94577073-A-C.
Other names: c.223T>G, p.Cys75Gly (NM_001425324.1); short protein forms C75G.
Identifiers: ClinVar variation 99122 (VCV000099122.12), dbSNP rs61748526, ClinGen allele CA226985.

ClinVar aggregate classification (germline): Pathogenic. Review status: criteria provided, multiple submitters, no conflicts (2 of 4 stars). 4 submissions from 4 submitters: Pathogenic (2). 2 of the submissions do not count toward it. Last evaluated 2025-12-24.

Conditions:
Retinitis pigmentosa (RP). Identifiers: Orphanet 791, MedGen C0035334, MeSH D012174, MONDO:0019200, OMIM 268000. Inheritance: Autosomal dominant, autosomal recessive and X linked inheritance.
Severe early-childhood-onset retinal dystrophy (STGD1). Also called: MACULAR DYSTROPHY WITH FLECKS, TYPE 1; STGD; Stargardt disease 1; Stargardt macular dystrophy; Juvenile onset macular degeneration. Identifiers: Orphanet 364055, Orphanet 827, MedGen C1855465, MeSH D000080362, MONDO:0009549, OMIM 248200.

Allele frequency attached by ClinVar (database versions not stated): gnomAD 0.00001; TOPMed 0.00001.
gnomAD v4.1: 12 of 1,614,084 alleles (0.00074%); highest among the groups gnomAD compares: African/African-American, 0.0013%; no homozygotes.

Submissions (4):

Labcorp Genetics (formerly Invitae), Labcorp
Classification: Pathogenic. Last evaluated: 2025-12-24. Review status: criteria provided, single submitter. Criteria: Invitae Variant Classification Sherloc (09022015). Collection method: clinical testing. Allele origin: germline.
Comment: This sequence change replaces cysteine, which is neutral and slightly polar, with glycine, which is neutral and non-polar, at codon 75 of the ABCA4 protein (p.Cys75Gly). This variant is not present in population databases (gnomAD no frequency). This missense change has been observed in individuals with ABCA4-related conditions (PMID: 9973280, 23982839, 30093795). ClinVar contains an entry for this variant (Variation ID: 99122). Invitae Evidence Modeling of protein sequence and biophysical properties (such as structural, functional, and spatial information, amino acid conservation, physicochemical variation, residue mobility, and thermodynamic stability) indicates that this missense variant is expected to disrupt ABCA4 protein function with a positive predictive value of 95%. For these reasons, this variant has been classified as Pathogenic.

Women's Health and Genetics/Laboratory Corporation of America, LabCorp
Classification: Pathogenic for Retinitis pigmentosa. Last evaluated: 2024-09-24. Review status: criteria provided, single submitter. Criteria: LabCorp Variant Classification Summary - May 2015. Collection method: clinical testing. Allele origin: germline.
Comment: Variant summary: ABCA4 c.223T>G (p.Cys75Gly) results in a non-conservative amino acid change in the encoded protein sequence. Five of five in-silico tools predict a damaging effect of the variant on protein function. The variant was absent in 251414 control chromosomes. c.223T>G has been reported in the literature as a biallelic genotype in multiple individuals affected with features of Autosomal Recessive ABCA4-related disorders (example, Lewis_1999, Fujinami_2013, Salles_2018, Mena_2021, Webster_2001). These data indicate that the variant is very likely to be associated with disease. To our knowledge, no experimental evidence demonstrating an impact on protein function has been reported. The following publications have been ascertained in the context of this evaluation (PMID: 23982839, 9973280, 33841504, 30093795, 11328725). ClinVar contains an entry for this variant (Variation ID: 99122). Based on the evidence outlined above, the variant was classified as pathogenic.

NIHR Bioresource Rare Diseases, University of Cambridge
Classification: Likely pathogenic. Last evaluated: 2015-01-01. Review status: no assertion criteria provided. Collection method: research. Allele origin: unknown. Affected: yes. Observed: 1 variant allele. Not counted in ClinVar's aggregate classification.

Retina International
No classification provided. Review status: no classification provided. Collection method: not provided. Allele origin: not provided. Not counted in ClinVar's aggregate classification.

Literature cited by the submitters: PubMed 9973280 (cited by 3 submitters); PubMed 23982839 (cited by Labcorp Genetics (formerly Invitae), Labcorp and Women's Health and Genetics/Laboratory Corporation of America, LabCorp); PubMed 30093795 (cited by Labcorp Genetics (formerly Invitae), Labcorp and Women's Health and Genetics/Laboratory Corporation of America, LabCorp); PubMed 11328725 (cited by Women's Health and Genetics/Laboratory Corporation of America, LabCorp); PubMed 33841504 (cited by Women's Health and Genetics/Laboratory Corporation of America, LabCorp); PubMed 28041643 (cited by NIHR Bioresource Rare Diseases, University of Cambridge).